The following is an entry in ClinVar:

NM_022437.3(ABCG8):c.722C>T (p.Ser241Phe)

Gene: ABCG8 (ATP binding cassette subfamily G member 8; plus strand). Cytogenetic location: 2p21.
Variant type: single nucleotide variant.
Coding change: c.722C>T on transcript NM_022437.3 (MANE Select); coding-DNA position 722, C replaced by T.
Protein change: p.Ser241Phe; replaces serine 241 with phenylalanine.
Molecular consequence: missense variant.
Genome position (GRCh38, 1-based): chr2:43,852,626, C>T. VCF-style: chr2-43852626-C-T. GRCh37 (hg19) VCF-style: chr2-44079765-C-T.
Other names: p.Ser241Phe; c.722C>T, p.Ser241Phe (NM_001357321.2); c.722C>T (NM_022437.2); short protein forms S241F.
Identifiers: ClinVar variation 872257 (VCV000872257.54), dbSNP rs547583131, ClinGen allele CA1637157.

ClinVar aggregate classification (germline): Conflicting classifications of pathogenicity. Review status: criteria provided, conflicting classifications (1 of 4 stars). 9 submissions from 9 submitters: Uncertain significance (4); Likely benign (3). 2 of the submissions do not count toward it. Last evaluated 2026-03-01.

Conditions:
ABCG8-related disorder. Also called: ABCG8-related condition.
Sitosterolemia 1. Identifiers: MedGen C2749759, MONDO:0020747, OMIM 210250.
Cardiovascular phenotype. Identifiers: MedGen CN230736.

Allele frequency attached by ClinVar (database versions not stated): gnomAD 0.00004 and 0.00007; gnomAD exomes 0.00018 and 0.00031; ExAC 0.00026; 1000 Genomes Project 0.00060; 1000 Genomes Project 30x 0.00062; TOPMed 0.00005.
gnomAD v4.1: 290 of 1,614,172 alleles (0.018%); highest among the groups gnomAD compares: South Asian, 0.086%; 10 homozygotes.

Submissions (9):

CeGaT Center for Human Genetics Tuebingen
Classification: Likely benign. Last evaluated: 2026-03-01. Review status: criteria provided, single submitter. Criteria: CeGaT Center For Human Genetics Tuebingen Variant Classification Criteria Version 2. Collection method: clinical testing. Allele origin: germline. Affected: yes. Observed: 4 variant alleles.
Comment: ABCG8: PP3, BS2

Labcorp Genetics (formerly Invitae), Labcorp
Classification: Likely benign. Last evaluated: 2026-01-20. Review status: criteria provided, single submitter. Criteria: Invitae Variant Classification Sherloc (09022015). Collection method: clinical testing. Allele origin: germline.

Ambry Genetics
Classification: Uncertain significance for Cardiovascular phenotype. Last evaluated: 2024-08-22. Review status: criteria provided, single submitter. Criteria: Ambry Variant Classification Scheme 2023. Collection method: clinical testing. Allele origin: germline.
Comment: The p.S241F variant (also known as c.722C>T), located in coding exon 6 of the ABCG8 gene, results from a C to T substitution at nucleotide position 722. The serine at codon 241 is replaced by phenylalanine, an amino acid with highly dissimilar properties. This amino acid position is highly conserved in available vertebrate species. In addition, this alteration is predicted to be deleterious by in silico analysis. Based on the available evidence, the clinical significance of this variant remains unclear.

Women's Health and Genetics/Laboratory Corporation of America, LabCorp
Classification: Likely benign. Last evaluated: 2024-08-08. Review status: criteria provided, single submitter. Criteria: LabCorp Variant Classification Summary - May 2015. Collection method: clinical testing. Allele origin: germline.
Comment: Variant summary: ABCG8 c.722C>T (p.Ser241Phe) results in a non-conservative amino acid change located in the ABC transporter-like, ATP-binding domain (IPR003439) of the encoded protein sequence. Five of five in-silico tools predict a damaging effect of the variant on protein function. The variant allele was found at a frequency of 0.00018 in 1614172 control chromosomes in the gnomAD database (v4), including 10 homozygotes, suggesting a benign role for the variant. This frequency is not significantly higher than estimated for a pathogenic variant in ABCG8 causing Early Onset Coronary Artery Disease (0.00018 vs 0.005). c.722C>T has been reported in the literature in individuals affected with Familial Hypercholesterolemia (Reeskamp_2020). These report(s) do not provide unequivocal conclusions about association of the variant with Early Onset Coronary Artery Disease. To our knowledge, no experimental evidence demonstrating an impact on protein function has been reported. The following publication have been ascertained in the context of this evaluation (PMID: 32088153). ClinVar contains an entry for this variant (Variation ID: 872257). Based on the evidence outlined above, the variant was classified as likely benign.

Mayo Clinic Laboratories, Mayo Clinic
Classification: Uncertain significance. Last evaluated: 2024-07-17. Review status: criteria provided, single submitter. Criteria: ACMG Guidelines, 2015. Collection method: clinical testing. Allele origin: germline. Observed: 1 variant allele.

Revvity Omics, Revvity
Classification: Uncertain significance for Sitosterolemia 1. Last evaluated: 2023-11-13. Review status: criteria provided, single submitter. Criteria: ACMG Guidelines, 2015. Collection method: clinical testing. Allele origin: germline.

New York Genome Center
Classification: Uncertain significance for Sitosterolemia 1. Last evaluated: 2022-03-17. Review status: criteria provided, single submitter. Criteria: NYGC Assertion Criteria 2020. Collection method: clinical testing. Allele origin: germline. Observed: 1 heterozygote.
Comment: The c.722C>T (p.Ser241Phe) variant identified in the ABCG8 gene substitutes a well conserved Serine for Phenylalanine at amino acid 241/674 (exon 6/13). This variant is found with low frequency in gnomAD(v2.1) (79 heterozygotes, 1 homozygote; allele frequency: 2.795e-4), suggesting it is not a common benign variant in the populations represented in that database. In silico algorithms predict this variant to be Damaging (SIFT; score:0.001) and Pathogenic(REVEL; score:0.683) to the function of the canonical transcript. This variant is reported in ClinVar as a Variant of Uncertain Significance (VarID:872257) and to our current knowledge has not been reported in affected individuals in the literature. The p.Ser241 residue is within the N-terminal cytoplasmic domain of ABCG8 (UniProtKB:Q9H221). Given the lack of compelling evidence for its pathogenicity, the c.722C>T (p.Ser241Phe) variant identified in the ABCG8 gene is reported as a Variant of Uncertain Significance.

PreventionGenetics, part of Exact Sciences
Classification: Uncertain significance for ABCG8-related condition. Last evaluated: 2024-08-27. Review status: no assertion criteria provided. Collection method: clinical testing. Allele origin: germline. Not counted in ClinVar's aggregate classification.
Comment: The ABCG8 c.722C>T variant is predicted to result in the amino acid substitution p.Ser241Phe. This variant was reported in an individual with familial hypercholesterolemia (Reeskamp et al. 2020. PubMed ID: 32088153) and in a patient with hypoalphalipoproteinemia (Supplementary table S2; Dong et al 2022. PubMed ID: 35460704). This variant is reported in 0.13% of alleles in individuals of South Asian descent in gnomAD. Although we suspect that this variant may be benign, at this time, the clinical significance of this variant is uncertain due to the absence of conclusive functional and genetic evidence.

Zotz-Klimas Genetics Lab, MVZ Zotz Klimas
Classification: Uncertain significance for Sitosterolemia 1. Last evaluated: 2023-11-24. Review status: no assertion criteria provided. Collection method: clinical testing. Allele origin: germline. Affected: yes. Not counted in ClinVar's aggregate classification.

Literature cited by the submitters: PubMed 32088153 (cited by Women's Health and Genetics/Laboratory Corporation of America, LabCorp and Mayo Clinic Laboratories, Mayo Clinic); PubMed 35460704 (cited by Mayo Clinic Laboratories, Mayo Clinic).